The following is an entry in ClinVar:

NM_182914.3(SYNE2):c.8542C>G (p.Leu2848Val)

Gene: SYNE2 (spectrin repeat containing nuclear envelope protein 2; plus strand). Cytogenetic location: 14q23.2.
Variant type: single nucleotide variant.
Coding change: c.8542C>G on transcript NM_182914.3 (MANE Select); coding-DNA position 8542, C replaced by G.
Protein change: p.Leu2848Val; replaces leucine 2848 with valine.
Molecular consequence: missense variant.
Genome position (GRCh38, 1-based): chr14:64,052,455, C>G. VCF-style: chr14-64052455-C-G. GRCh37 (hg19) VCF-style: chr14-64519173-C-G.
Other names: c.8542C>G, p.Leu2848Val (NM_015180.6); short protein forms L2848V.
Identifiers: ClinVar variation 3659356 (VCV003659356.2).

ClinVar aggregate classification (germline): Uncertain significance (1 of 4 stars; one submission).

Conditions:
Emery-Dreifuss muscular dystrophy 5, autosomal dominant (EDMD5). Also called: EMERY-DREIFUSS MUSCULAR DYSTROPHY 5. Identifiers: Orphanet 261, MedGen C2751805, MONDO:0013072, OMIM 612999.

gnomAD v4.1: 1 of 1,613,004 alleles (0.000062%); highest among the groups gnomAD compares: Non-Finnish European, 0.000085%; no homozygotes.

Submission:

Labcorp Genetics (formerly Invitae), Labcorp
Classification: Uncertain significance for Emery-Dreifuss muscular dystrophy 5, autosomal dominant. Last evaluated: 2024-07-12. Review status: criteria provided, single submitter. Criteria: Invitae Variant Classification Sherloc (09022015). Collection method: clinical testing. Allele origin: germline.
Comment: This sequence change replaces leucine, which is neutral and non-polar, with valine, which is neutral and non-polar, at codon 2848 of the SYNE2 protein (p.Leu2848Val). This variant is not present in population databases (gnomAD no frequency). This variant has not been reported in the literature in individuals affected with SYNE2-related conditions. An algorithm developed to predict the effect of missense changes on protein structure and function (PolyPhen-2) suggests that this variant is likely to be disruptive. In summary, the available evidence is currently insufficient to determine the role of this variant in disease. Therefore, it has been classified as a Variant of Uncertain Significance.